The following is an entry in ClinVar:

NM_001330.5(CTF1):c.130C>G (p.Leu44Val)

Gene: CTF1 (cardiotrophin 1; plus strand). Cytogenetic location: 16p11.2.
Variant type: single nucleotide variant.
Coding change: c.130C>G on transcript NM_001330.5 (MANE Select); coding-DNA position 130, C replaced by G.
Protein change: p.Leu44Val; replaces leucine 44 with valine.
Molecular consequence: missense variant. On other transcripts: non-coding transcript variant (1).
Genome position (GRCh38, 1-based): chr16:30,899,519, C>G. VCF-style: chr16-30899519-C-G. GRCh37 (hg19) VCF-style: chr16-30910840-C-G.
Other names: c.127C>G, p.Leu43Val (NM_001142544.3); short protein forms L44V, L43V.
Identifiers: ClinVar variation 2048890 (VCV002048890.4), dbSNP rs1243213879, ClinGen allele CA395633679.

ClinVar aggregate classification (germline): Uncertain significance (1 of 4 stars; one submission).

Allele frequency attached by ClinVar (database versions not stated): gnomAD exomes below 0.00001.
gnomAD v4.1: 2 of 1,499,042 alleles (0.00013%); highest among the groups gnomAD compares: Non-Finnish European, 0.00018%; no homozygotes.

Submission:

Labcorp Genetics (formerly Invitae), Labcorp
Classification: Uncertain significance. Last evaluated: 2022-03-30. Review status: criteria provided, single submitter. Criteria: Invitae Variant Classification Sherloc (09022015). Collection method: clinical testing. Allele origin: germline.
Comment: In summary, the available evidence is currently insufficient to determine the role of this variant in disease. Therefore, it has been classified as a Variant of Uncertain Significance. Algorithms developed to predict the effect of sequence changes on RNA splicing suggest that this variant may disrupt the consensus splice site. Algorithms developed to predict the effect of missense changes on protein structure and function (SIFT, PolyPhen-2, Align-GVGD) all suggest that this variant is likely to be disruptive. This variant has not been reported in the literature in individuals affected with CTF1-related conditions. This variant is present in population databases (no rsID available, gnomAD 0.0009%). This sequence change replaces leucine, which is neutral and non-polar, with valine, which is neutral and non-polar, at codon 44 of the CTF1 protein (p.Leu44Val).